The following is an entry in ClinVar:

ClinVar aggregate classification (germline): Pathogenic (1 of 4 stars; one submission).

Allele frequency attached by ClinVar (database versions not stated): gnomAD exomes below 0.00001.
gnomAD v4.1: 3 of 1,614,022 alleles (0.00019%); highest among the groups gnomAD compares: Non-Finnish European, 0.00025%; no homozygotes.

Submission:

Labcorp Genetics (formerly Invitae), Labcorp
Classification: Pathogenic. Last evaluated: 2023-01-06. Review status: criteria provided, single submitter. Criteria: Invitae Variant Classification Sherloc (09022015). Collection method: clinical testing. Allele origin: germline.
Comment: This variant is present in population databases (no rsID available, gnomAD 0.0009%). This sequence change creates a premature translational stop signal (p.Glu1535*) in the COL7A1 gene. It is expected to result in an absent or disrupted protein product. Loss-of-function variants in COL7A1 are known to be pathogenic (PMID: 16971478). This premature translational stop signal has been observed in individual(s) with autosomal recessive dystrophic epidermolysis bullosa (PMID: 17282977). For these reasons, this variant has been classified as Pathogenic. ClinVar contains an entry for this variant (Variation ID: 1069042).

Literature cited by the submitters: PubMed 16971478; PubMed 17282977.

NM_000094.4(COL7A1):c.4603G>T (p.Glu1535Ter)

Gene: COL7A1 (collagen type VII alpha 1 chain; minus strand). Cytogenetic location: 3p21.31.
Variant type: single nucleotide variant.
Coding change: c.4603G>T on transcript NM_000094.4 (MANE Select); coding-DNA position 4603, G replaced by T.
Protein change: p.Glu1535Ter; replaces glutamic acid 1535 with a stop codon.
Molecular consequence: nonsense.
Genome position (GRCh38, 1-based): chr3:48,582,355, C>A on the plus strand (G>T on the coding strand, the complement: COL7A1 is on the minus strand). VCF-style: chr3-48582355-C-A. GRCh37 (hg19) VCF-style: chr3-48619788-C-A.
Other names: short protein forms E1535*.
Identifiers: ClinVar variation 1069042 (VCV001069042.5), dbSNP rs1487476449, ClinGen allele CA352687593.
Genomic context (GRCh38, chr3:48,582,355, plus strand): 5'-CTCAGAGCGCCATCCTCCCGTCACTCACCACCACTGCAGGGTCCCCAGGGCGACCAGGCT[C>A]CCCCTGTGGAGAGAGGATAGGAGCAGGGACAGGTCAGGGAGTCACCTAGGAGCCCAAAAT-3'